The following is an entry in ClinVar:

NM_000257.4(MYH7):c.1795G>T (p.Asp599Tyr)

Gene: MYH7 (myosin heavy chain 7; minus strand). Cytogenetic location: 14q11.2.
Variant type: single nucleotide variant.
Coding change: c.1795G>T on transcript NM_000257.4 (MANE Select); coding-DNA position 1795, G replaced by T.
Protein change: p.Asp599Tyr; replaces aspartic acid 599 with tyrosine.
Molecular consequence: missense variant.
Genome position (GRCh38, 1-based): chr14:23,427,678, C>A on the plus strand (G>T on the coding strand, the complement: MYH7 is on the minus strand). VCF-style: chr14-23427678-C-A. GRCh37 (hg19) VCF-style: chr14-23896887-C-A.
Other names: c.1795G>T, p.Asp599Tyr (NM_001407004.1); short protein forms D599Y.
Identifiers: ClinVar variation 1780256 (VCV001780256.3), dbSNP rs2502296670, ClinGen allele CA389049797.
Genomic context (GRCh38, chr14:23,427,678, plus strand): 5'-TGCTGAGCAGCTTGAGGGAAGACTTCTGATACAAGCCCACGACAGTCTCATTGAGAGGAT[C>A]CTTGTTCTTCTGCAGCCAGCCAATGATGTTGTAGTCCACGATGCCGGCATAGTGGATCAG-3'
Protein context (NP_000248.2, residues 589-609): NIIGWLQKNK[Asp599Tyr]PLNETVVGLY

ClinVar aggregate classification (germline): Conflicting classifications of pathogenicity. Review status: criteria provided, conflicting classifications (1 of 4 stars). 2 submissions from 2 submitters: Likely pathogenic (1); Uncertain significance (1). Last evaluated 2024-08-28.

Conditions:
Hypertrophic cardiomyopathy 1 (CMH1). Also called: Familial hypertrophic cardiomyopathy 1; MYH7-Related Familial Hypertrophic Cardiomyopathy. Identifiers: MedGen C3495498, MONDO:0008647, OMIM 192600.
Cardiovascular phenotype. Identifiers: MedGen CN230736.

Submissions (2):

North West Genomic Laboratory Hub, Manchester University NHS Foundation Trust
Classification: Likely pathogenic for Hypertrophic cardiomyopathy 1. Last evaluated: 2024-08-28. Review status: criteria provided, single submitter. Criteria: ACGS Best Practice Guidelines for Variant Classification in Rare Disease 2020. Collection method: clinical testing. Allele origin: germline. Affected: yes.
Comment: PM1_Mod PM2_Mod PP3_Supp PS4_Supp

Ambry Genetics
Classification: Uncertain significance for Cardiovascular phenotype. Last evaluated: 2020-11-24. Review status: criteria provided, single submitter. Criteria: Ambry Variant Classification Scheme 2023. Collection method: clinical testing. Allele origin: germline.
Comment: The p.D599Y variant (also known as c.1795G>T), located in coding exon 14 of the MYH7 gene, results from a G to T substitution at nucleotide position 1795. The aspartic acid at codon 599 is replaced by tyrosine, an amino acid with highly dissimilar properties, and is located in the myosin head domain. This amino acid position is highly conserved in available vertebrate species. In addition, this alteration is predicted to be deleterious by in silico analysis. Since supporting evidence is limited at this time, the clinical significance of this alteration remains unclear.